The following is an entry in ClinVar:

ClinVar aggregate classification (germline): Benign. Review status: criteria provided, single submitter (1 of 4 stars). 2 submissions from 2 submitters: Benign (1). 1 of the submissions does not count toward it. Last evaluated 2025-06-09.

Conditions:
SOX11-related disorder. Also called: SOX11-related condition.

Allele frequency attached by ClinVar (database versions not stated): gnomAD exomes below 0.00001; TOPMed 0.00001.
gnomAD v4.1: 3 of 1,551,582 alleles (0.00019%); highest among the groups gnomAD compares: Non-Finnish European, 0.00026%; no homozygotes.

Submissions (2):

Labcorp Genetics (formerly Invitae), Labcorp
Classification: Benign. Last evaluated: 2025-06-09. Review status: criteria provided, single submitter. Criteria: Invitae Variant Classification Sherloc (09022015). Collection method: clinical testing. Allele origin: germline.

PreventionGenetics, part of Exact Sciences
Classification: Likely benign for SOX11-related condition. Last evaluated: 2021-11-02. Review status: no assertion criteria provided. Collection method: clinical testing. Allele origin: germline. Not counted in ClinVar's aggregate classification.
Comment: This variant is classified as likely benign based on ACMG/AMP sequence variant interpretation guidelines (Richards et al. 2015 PMID: 25741868, with internal and published modifications).

NM_003108.4(SOX11):c.1242C>T (p.Pro414=)

Gene: SOX11 (SRY-box transcription factor 11; plus strand). Cytogenetic location: 2p25.2.
Variant type: single nucleotide variant.
Coding change: c.1242C>T on transcript NM_003108.4 (MANE Select); coding-DNA position 1242, C replaced by T.
Protein change: p.Pro414=; no amino-acid change (proline 414 retained).
Molecular consequence: synonymous variant.
Genome position (GRCh38, 1-based): chr2:5,693,963, C>T. VCF-style: chr2-5693963-C-T. GRCh37 (hg19) VCF-style: chr2-5834095-C-T.
Identifiers: ClinVar variation 3056071 (VCV003056071.4), dbSNP rs1242606721, ClinGen allele CA424697295.